The following is an entry in ClinVar:

ClinVar aggregate classification (germline): Conflicting classifications of pathogenicity. Review status: criteria provided, conflicting classifications (1 of 4 stars). 2 submissions from 2 submitters: Likely pathogenic (1); Uncertain significance (1). Last evaluated 2023-10-04.

Conditions:
Long QT syndrome (LQTS). Identifiers: MedGen C0023976, MeSH D008133, MONDO:0002442. Disease mechanism: loss of function. Inheritance: Various modes of inheritance.
Long QT syndrome 5 (LQT5). Identifiers: Orphanet 101016, Orphanet 768, MedGen C1867904, MONDO:0013372, OMIM 613695.

Submissions (2):

Labcorp Genetics (formerly Invitae), Labcorp
Classification: Uncertain significance for Long QT syndrome. Last evaluated: 2023-10-04. Review status: criteria provided, single submitter. Criteria: Invitae Variant Classification Sherloc (09022015). Collection method: clinical testing. Allele origin: germline.
Comment: This variant, c.166_180del, results in the deletion of 5 amino acid(s) of the KCNE1 protein (p.Phe56_Gly60del), but otherwise preserves the integrity of the reading frame. This variant is not present in population databases (gnomAD no frequency). This variant has been observed in individual(s) with clinical features of long QT syndrome (PMID: 31737537). ClinVar contains an entry for this variant (Variation ID: 598781). Experimental studies and prediction algorithms are not available or were not evaluated, and the functional significance of this variant is currently unknown. In summary, the available evidence is currently insufficient to determine the role of this variant in disease. Therefore, it has been classified as a Variant of Uncertain Significance.

MVZ Martinsried, Medicover Genetics
Classification: Likely pathogenic for Long QT syndrome 5. Last evaluated: 2018-09-06. Review status: criteria provided, single submitter. Criteria: ACMG Guidelines, 2015. Collection method: clinical testing. Allele origin: unknown. Affected: yes.

Literature cited by the submitters: PubMed 31737537 (cited by Labcorp Genetics (formerly Invitae), Labcorp).

NM_000219.6(KCNE1):c.166_180del (p.Phe56_Gly60del)

Gene: KCNE1 (potassium voltage-gated channel subfamily E regulatory subunit 1; minus strand). Cytogenetic location: 21q22.12.
Variant type: Deletion.
Coding change: c.166_180del on transcript NM_000219.6 (MANE Select); coding-DNA positions 166 to 180, 15 bases deleted (TTCTTCACCCTGGGC).
Protein change: p.Phe56_Gly60del.
Molecular consequence: inframe deletion.
Genome position (GRCh38, 1-based): chr21:34,449,455-34,449,469, GCCCAGGGTGAAGAA deleted on the plus strand (TTCTTCACCCTGGGC on the coding strand, the reverse complement: KCNE1 is on the minus strand); deleting any 15 consecutive bases within chr21:34,449,455-34,449,472 gives the same sequence; the c. name uses the placement nearest the transcript's 3' end. VCF-style (leftmost placement, unchanged base first): chr21-34449454-TGCCCAGGGTGAAGAA-T. GRCh37 (hg19) VCF-style: chr21-35821752-TGCCCAGGGTGAAGAA-T.
Other names: c.166_180del, p.Phe56_Gly60del (NM_001127668.4, NM_001127669.4, NM_001127670.4 and 4 more transcripts).
Identifiers: ClinVar variation 598781 (VCV000598781.4), dbSNP rs1568836457, ClinGen allele CA913190581.